The following is an entry in ClinVar:

NM_000392.5(ABCC2):c.2095-6A>G

Gene: ABCC2 (ATP binding cassette subfamily C member 2; plus strand). Cytogenetic location: 10q24.2.
Variant type: single nucleotide variant.
Coding change: c.2095-6A>G on transcript NM_000392.5 (MANE Select); 6 bases into the intron before coding-DNA position 2095, A replaced by G.
Molecular consequence: intron variant.
Genome position (GRCh38, 1-based): chr10:99,817,302, A>G. VCF-style: chr10-99817302-A-G. GRCh37 (hg19) VCF-style: chr10-101577059-A-G.
Other names: c.2095-6A>G (LRG_1208t1).
Identifiers: ClinVar variation 298455 (VCV000298455.37), dbSNP rs202210861, ClinGen allele CA5643403.
Genomic context (GRCh38, chr10:99,817,302, plus strand): 5'-CCCCGTCCTTCAACCCTGCGTTTCTGGAGGTGCAGCTGTAACATGATCTGATCCTTTTTC[A>G]TCTAGGGCACCACTGCCTATGTCCCACAGCAGTCCTGGATTCAGAATGGCACCATAAAGG-3'

ClinVar aggregate classification (germline): Benign. Review status: criteria provided, multiple submitters, no conflicts (2 of 4 stars). 3 submissions from 3 submitters: Benign (3). Last evaluated 2026-01-24.

Conditions:
Dubin-Johnson syndrome (DJS). Also called: HYPERBILIRUBINEMIA, DUBIN-JOHNSON TYPE; Hyperbilirubinemia type 2; Jaundice, Chronic Idiopathic. Identifiers: Orphanet 234, MedGen C0022350, MONDO:0009380, OMIM 237500.

Allele frequency attached by ClinVar (database versions not stated): gnomAD 0.00049 and 0.00093; TOPMed 0.00053; ESP Exome Variant Server 0.00054; 1000 Genomes Project 30x 0.00125; 1000 Genomes Project 0.00140; ExAC 0.00208; gnomAD exomes 0.00214.
gnomAD v4.1: 1,893 of 1,614,034 alleles (0.12%); highest among the groups gnomAD compares: South Asian, 1.2%; 37 homozygotes.

Submissions (3):

Labcorp Genetics (formerly Invitae), Labcorp
Classification: Benign. Last evaluated: 2026-01-24. Review status: criteria provided, single submitter. Criteria: Invitae Variant Classification Sherloc (09022015). Collection method: clinical testing. Allele origin: germline.

CeGaT Center for Human Genetics Tuebingen
Classification: Benign. Last evaluated: 2023-10-01. Review status: criteria provided, single submitter. Criteria: CeGaT Center For Human Genetics Tuebingen Variant Classification Criteria Version 2. Collection method: clinical testing. Allele origin: germline. Affected: yes. Observed: 1 variant allele.
Comment: ABCC2: BP4, BS1, BS2

Illumina Laboratory Services, Illumina
Classification: Benign for Dubin-Johnson syndrome. Last evaluated: 2018-01-13. Review status: criteria provided, single submitter. Criteria: ICSL Variant Classification Criteria 13 December 2019. Collection method: clinical testing. Allele origin: germline.
Comment: This variant was observed in the ICSL laboratory as part of a predisposition screen in an ostensibly healthy population. It had not been previously curated by ICSL or reported in the Human Gene Mutation Database (HGMD: prior to June 1st, 2018), and was therefore a candidate for classification through an automated scoring system. Utilizing variant allele frequency, disease prevalence and penetrance estimates, and inheritance mode, an automated score was calculated to assess if this variant is too frequent to cause the disease. Based on the score and internal cut-off values, a variant classified as benign is not then subjected to further curation. The score for this variant resulted in a classification of benign for this disease.